The following is an entry in ClinVar:

NM_018714.3(COG1):c.1357G>C (p.Glu453Gln)

Gene: COG1 (component of oligomeric golgi complex 1; plus strand). Cytogenetic location: 17q25.1.
Variant type: single nucleotide variant.
Coding change: c.1357G>C on transcript NM_018714.3 (MANE Select); coding-DNA position 1357, G replaced by C.
Protein change: p.Glu453Gln; replaces glutamic acid 453 with glutamine.
Molecular consequence: missense variant.
Genome position (GRCh38, 1-based): chr17:73,201,184, G>C. VCF-style: chr17-73201184-G-C. GRCh37 (hg19) VCF-style: chr17-71197323-G-C.
Other names: short protein forms E453Q.
Identifiers: ClinVar variation 95912 (VCV000095912.19), dbSNP rs62621249, ClinGen allele CA149030.

ClinVar aggregate classification (germline): Benign. Review status: criteria provided, multiple submitters, no conflicts (2 of 4 stars). 6 submissions from 6 submitters: Benign (6). Last evaluated 2026-02-01.

Conditions:
COG1 congenital disorder of glycosylation (CDG2G). Also called: CONGENITAL DISORDER OF GLYCOSYLATION, TYPE IIg; CDG IIg; CDGII/COG1 CEREBROCOSTOMANDIBULAR-LIKE SYNDROME. Identifiers: Orphanet 263508, MedGen C2931011, MONDO:0012637, OMIM 611209.

Allele frequency attached by ClinVar (database versions not stated): gnomAD 0.06588 and 0.06636; ExAC 0.06703; gnomAD exomes 0.06794 and 0.08220; 1000 Genomes Project 30x 0.04981; TOPMed 0.06579; 1000 Genomes Project 0.05032; ESP Exome Variant Server 0.06758.
gnomAD v4.1: 130,161 of 1,614,058 alleles (8.1%); highest among the groups gnomAD compares: Non-Finnish European, 8.9%; 5,831 homozygotes.

Submissions (6):

Labcorp Genetics (formerly Invitae), Labcorp
Classification: Benign for COG1 congenital disorder of glycosylation. Last evaluated: 2026-02-01. Review status: criteria provided, single submitter. Criteria: Invitae Variant Classification Sherloc (09022015). Collection method: clinical testing. Allele origin: germline.

Mayo Clinic Laboratories, Mayo Clinic
Classification: Benign. Last evaluated: 2019-10-21. Review status: criteria provided, single submitter. Criteria: ACMG Guidelines, 2015. Collection method: clinical testing. Allele origin: germline. Observed: 4 variant alleles.

GeneDx
Classification: Benign. Last evaluated: 2018-07-27. Review status: criteria provided, single submitter. Criteria: GeneDx Variant Classification Process June 2021. Collection method: clinical testing. Allele origin: germline. Affected: yes.

Illumina Laboratory Services, Illumina
Classification: Benign for COG1 congenital disorder of glycosylation. Last evaluated: 2018-01-13. Review status: criteria provided, single submitter. Criteria: ICSL Variant Classification Criteria 13 December 2019. Collection method: clinical testing. Allele origin: germline.
Comment: This variant was observed in the ICSL laboratory as part of a predisposition screen in an ostensibly healthy population. It had not been previously curated by ICSL or reported in the Human Gene Mutation Database (HGMD: prior to June 1st, 2018), and was therefore a candidate for classification through an automated scoring system. Utilizing variant allele frequency, disease prevalence and penetrance estimates, and inheritance mode, an automated score was calculated to assess if this variant is too frequent to cause the disease. Based on the score and internal cut-off values, a variant classified as benign is not then subjected to further curation. The score for this variant resulted in a classification of benign for this disease.

Eurofins Ntd Llc (ga)
Classification: Benign. Last evaluated: 2012-10-09. Review status: criteria provided, single submitter. Criteria: EGL Classification Definitions 2015. Collection method: clinical testing. Allele origin: germline. Observed: 3 variant alleles, 3 heterozygotes.

Breakthrough Genomics
Classification: Benign. Review status: criteria provided, single submitter. Criteria: ACMG Guidelines, 2015. Collection method: not provided. Allele origin: germline. Inheritance: Autosomal recessive inheritance. Affected: yes.